The following is an entry in ClinVar:

ClinVar aggregate classification (germline): Likely benign (0 of 4 stars; one submission).

Conditions:
RIN2-related disorder. Also called: RIN2-related condition.

Submission:

PreventionGenetics, part of Exact Sciences
Classification: Likely benign for RIN2-related condition. Last evaluated: 2020-10-30. Review status: no assertion criteria provided. Collection method: clinical testing. Allele origin: germline.
Comment: This variant is classified as likely benign based on ACMG/AMP sequence variant interpretation guidelines (Richards et al. 2015 PMID: 25741868, with internal and published modifications).

NM_018993.4(RIN2):c.939A>C (p.Pro313=)

Gene: RIN2 (Ras and Rab interactor 2; plus strand). Cytogenetic location: 20p11.23.
Variant type: single nucleotide variant.
Coding change: c.939A>C on transcript NM_018993.4 (MANE Select); coding-DNA position 939, A replaced by C.
Protein change: p.Pro313=; no amino-acid change (proline 313 retained).
Molecular consequence: synonymous variant.
Genome position (GRCh38, 1-based): chr20:19,974,964, A>C. VCF-style: chr20-19974964-A-C. GRCh37 (hg19) VCF-style: chr20-19955608-A-C.
Other names: c.1086A>C, p.Pro362= (NM_001242581.2); c.321A>C, p.Pro107= (NM_001378238.1).
Identifiers: ClinVar variation 3041279 (VCV003041279.2), dbSNP rs1479446877, ClinGen allele CA510156887.